The following is an entry in ClinVar:

ClinVar aggregate classification (germline): Likely benign. Review status: criteria provided, multiple submitters, no conflicts (2 of 4 stars). 2 submissions from 2 submitters: Likely benign (2). Last evaluated 2018-06-19.

Allele frequency attached by ClinVar (database versions not stated): 1000 Genomes Project 30x 0.00328; gnomAD 0.01115 and 0.01181.

Submissions (2):

GeneDx
Classification: Likely benign. Last evaluated: 2018-06-19. Review status: criteria provided, single submitter. Criteria: GeneDx Variant Classification (06012015). Collection method: clinical testing. Allele origin: germline. Affected: yes.
Comment: This variant is considered likely benign or benign based on one or more of the following criteria: it is a conservative change, it occurs at a poorly conserved position in the protein, it is predicted to be benign by multiple in silico algorithms, and/or has population frequency not consistent with disease.

Breakthrough Genomics
Classification: Likely benign. Review status: criteria provided, single submitter. Criteria: ACMG Guidelines, 2015. Collection method: not provided. Allele origin: germline. Inheritance: Autosomal dominant inheritance. Affected: yes.

NM_001018005.1(TPM1):c.-272A>C

Gene: TPM1 (tropomyosin 1; plus strand). Cytogenetic location: 15q22.2.
Variant type: single nucleotide variant.
Coding change: c.-272A>C on transcript NM_001018005.1; 272 bases upstream of the start codon, A replaced by C.
Genome position (GRCh38, 1-based): chr15:63,042,558, A>C. VCF-style: chr15-63042558-A-C. GRCh37 (hg19) VCF-style: chr15-63334757-A-C.
Identifiers: ClinVar variation 674392 (VCV000674392.4), dbSNP rs879364664, ClinGen allele CA272019869.
Genomic context (GRCh38, chr15:63,042,558, plus strand): 5'-TCCGGCCGCCGCCTCGGCGGCTCGGGTCCCCATATATAGTCATATCCACCGTCAACTGGG[A>C]GGCCGGCGGCCGGCAGCGAATGGGCGAGCGGCCCCCGCGGGAGGAGCGGGGAGGGGGCAC-3'